The following is an entry in ClinVar:

ClinVar aggregate classification (germline): Likely pathogenic. Review status: criteria provided, multiple submitters, no conflicts (2 of 4 stars). 2 submissions from 2 submitters: Likely pathogenic (2). Last evaluated 2022-01-01.

Conditions:
Charlevoix-Saguenay spastic ataxia (SACS). Also called: SPASTIC ATAXIA 6, AUTOSOMAL RECESSIVE; AUTOSOMAL RECESSIVE SPASTIC ATAXIA OF CHARLEVOIX-SAGUENAY; Spastic ataxia of Charlevoix-Saguenay. Identifiers: Orphanet 98, MedGen C1849140, MONDO:0010041, OMIM 270550.
SACS-related disorder. Also called: SACS-related condition.

Submissions (2):

PROSPAX: an integrated multimodal progression  chart in spastic ataxias, Center for Neurology; Hertie-Institute for Clinical Brain Research
Classification: Likely pathogenic for Charlevoix-Saguenay spastic ataxia. Last evaluated: 2022-01-01. Review status: criteria provided, single submitter. Criteria: ACMG Guidelines, 2015. Collection method: research. Allele origin: germline. Affected: yes.
Comment: Variant seen in compound het: [c.8691G>A;c.7320del]

Blueprint Genetics
Classification: Likely pathogenic for SACS-related disorders. Last evaluated: 2018-08-24. Review status: criteria provided, single submitter. Criteria: ACMG Guidelines, 2015. Collection method: clinical testing. Allele origin: germline. Affected: yes. Observed: 1 variant allele.

NM_014363.6(SACS):c.7320del (p.Lys2440fs)

Gene: SACS (sacsin molecular chaperone; minus strand). Cytogenetic location: 13q12.12.
Variant type: Deletion.
Coding change: c.7320del on transcript NM_014363.6 (MANE Select); coding-DNA position 7320, one base deleted (A; older notation c.7320delA).
Protein change: p.Lys2440fs; shifts the reading frame from lysine 2440.
Molecular consequence: frameshift variant.
Genome position (GRCh38, 1-based): chr13:23,336,556, T deleted on the plus strand (A on the coding strand, the reverse complement: SACS is on the minus strand); the first of 3 consecutive T bases (chr13:23,336,556-23,336,558); deleting any one gives the same sequence. VCF-style (leftmost placement, unchanged base first): chr13-23336555-GT-G. GRCh37 (hg19) VCF-style: chr13-23910694-GT-G.
Other names: c.6879del, p.Lys2293fs (NM_001278055.2); short protein forms K2293fs, K2440fs.
Identifiers: ClinVar variation 3242498 (VCV003242498.2).